The following is an entry in ClinVar:

NM_002204.4(ITGA3):c.1245+7A>C

Gene: ITGA3 (integrin subunit alpha 3; plus strand). Cytogenetic location: 17q21.33.
Variant type: single nucleotide variant.
Coding change: c.1245+7A>C on transcript NM_002204.4 (MANE Select); 7 bases into the intron after coding-DNA position 1245, A replaced by C.
Molecular consequence: intron variant.
Genome position (GRCh38, 1-based): chr17:50,074,011, A>C. VCF-style: chr17-50074011-A-C. GRCh37 (hg19) VCF-style: chr17-48151375-A-C.
Identifiers: ClinVar variation 3054480 (VCV003054480.3), dbSNP rs778254852, ClinGen allele CA8641462.
Genomic context (GRCh38, chr17:50,074,011, plus strand): 5'-AAAGTGTACATCTATCACAGTAGCTCTAAGGGGCTCCTTAGACAGCCCCAGCAGGTACAG[A>C]GAGACGGGGATGGGTCTGCTGCCCCCACCAGCCGAGATGGGCCTTCCTTGCTTTCCTTCA-3'

ClinVar aggregate classification (germline): Benign. Review status: criteria provided, single submitter (1 of 4 stars). 2 submissions from 2 submitters: Benign (1). 1 of the submissions does not count toward it. Last evaluated 2025-02-16.

Conditions:
ITGA3-related disorder. Also called: ITGA3-related condition.

Allele frequency attached by ClinVar (database versions not stated): ExAC 0.00001; gnomAD 0.00005.
gnomAD v4.1: 25 of 1,604,698 alleles (0.0016%); highest among the groups gnomAD compares: Non-Finnish European, 0.002%; no homozygotes.

Submissions (2):

Laboratory of Genetics, Children's Clinical University Hospital Latvia
Classification: Benign. Last evaluated: 2025-02-16. Review status: criteria provided, single submitter. Criteria: ACMG Guidelines, 2015. Collection method: clinical testing. Allele origin: germline. Affected: yes.

PreventionGenetics, part of Exact Sciences
Classification: Likely benign for ITGA3-related condition. Last evaluated: 2021-03-19. Review status: no assertion criteria provided. Collection method: clinical testing. Allele origin: germline. Not counted in ClinVar's aggregate classification.
Comment: This variant is classified as likely benign based on ACMG/AMP sequence variant interpretation guidelines (Richards et al. 2015 PMID: 25741868, with internal and published modifications).